The following is an entry in ClinVar:

NM_000520.6(HEXA):c.1178G>A (p.Arg393Gln)

Gene: HEXA (hexosaminidase subunit alpha; minus strand). Cytogenetic location: 15q23.
Variant type: single nucleotide variant.
Coding change: c.1178G>A on transcript NM_000520.6 (MANE Select); coding-DNA position 1178, G replaced by A.
Protein change: p.Arg393Gln; replaces arginine 393 with glutamine.
Molecular consequence: missense variant.
Genome position (GRCh38, 1-based): chr15:72,346,679, C>T on the plus strand (G>A on the coding strand, the complement: HEXA is on the minus strand). VCF-style: chr15-72346679-C-T. GRCh37 (hg19) VCF-style: chr15-72639020-C-T.
Other names: c.1211G>A, p.Arg404Gln (NM_001318825.2); short protein forms R393Q, R404Q.
Identifiers: ClinVar variation 554870 (VCV000554870.14), dbSNP rs370266293, ClinGen allele CA7644763.
Genomic context (GRCh38, chr15:72,346,679, plus strand): 5'-CGGAAGCCGGCCTTGGTGACCAGTTCCAGCTCCTTCATATAGTTCACTGGAATATCCTCT[C>T]GCCACACCTGTATGATTGTGTCTGGCTGAATCTGTTATAAAAGGTCAAATGGCAGTAAGG-3'
Protein context (NP_000511.2, residues 383-403): IQPDTIIQVW[Arg393Gln]EDIPVNYMKE

ClinVar aggregate classification (germline): Uncertain significance. Review status: criteria provided, multiple submitters, no conflicts (2 of 4 stars). 5 submissions from 5 submitters: Uncertain significance (3). 2 of the submissions do not count toward it. Last evaluated 2025-05-07.

Conditions:
Tay-Sachs disease (TSD). Also called: HEXA Disorders; HEXA DEFICIENCY; Hexosaminidase A Deficiency; GM2 gangliosidosis, type 1; Hexosaminidase alpha-subunit deficiency (variant B); Sphingolipidosis, Tay-Sachs. Identifiers: Orphanet 845, MedGen C0039373, MONDO:0010100, OMIM 272800.
Inborn genetic diseases. Identifiers: MedGen C0950123, MeSH D030342.

Allele frequency attached by ClinVar (database versions not stated): ESP Exome Variant Server 0.00008; gnomAD exomes 0.00008 and 0.00010; ExAC 0.00011; gnomAD 0.00012 and 0.00013; TOPMed 0.00012; 1000 Genomes Project 30x 0.00016; 1000 Genomes Project 0.00020.
gnomAD v4.1: 134 of 1,614,144 alleles (0.0083%); highest among the groups gnomAD compares: South Asian, 0.081%; 2 homozygotes.

Submissions (5):

Ambry Genetics
Classification: Uncertain significance for Inborn genetic diseases. Last evaluated: 2025-05-07. Review status: criteria provided, single submitter. Criteria: Ambry Variant Classification Scheme 2023. Collection method: clinical testing. Allele origin: germline.

Labcorp Genetics (formerly Invitae), Labcorp
Classification: Uncertain significance for Tay-Sachs disease. Last evaluated: 2022-09-01. Review status: criteria provided, single submitter. Criteria: Invitae Variant Classification Sherloc (09022015). Collection method: clinical testing. Allele origin: germline.
Comment: This sequence change replaces arginine, which is basic and polar, with glutamine, which is neutral and polar, at codon 393 of the HEXA protein (p.Arg393Gln). This variant is present in population databases (rs370266293, gnomAD 0.07%). This variant has not been reported in the literature in individuals affected with HEXA-related conditions. ClinVar contains an entry for this variant (Variation ID: 554870). Algorithms developed to predict the effect of missense changes on protein structure and function (SIFT, PolyPhen-2, Align-GVGD) all suggest that this variant is likely to be tolerated. In summary, the available evidence is currently insufficient to determine the role of this variant in disease. Therefore, it has been classified as a Variant of Uncertain Significance.

ARUP Laboratories, Molecular Genetics and Genomics, ARUP Laboratories
Classification: Uncertain significance. Last evaluated: 2018-08-09. Review status: criteria provided, single submitter. Criteria: ARUP Molecular Germline Variant Investigation Process. Collection method: clinical testing. Allele origin: germline.
Comment: The HEXA c.1178G>A; p.Arg393Gln variant (rs370266293), to our knowledge, is not reported in the medical literature or gene specific databases; however, another variant at this codon (c.1178G>C; p.R393P) has been reported in the homozygous state in an individual with Tay-Sachs disease (Mistri 2012). This variant is found in the South Asian population with an overall allele frequency of 0.07% (21/30780 alleles) in the Genome Aggregation Database. The arginine at codon 393 is moderately conserved, and computational analyses (SIFT: damaging, PolyPhen-2: benign) predict conflicting effects of the p.Arg393Gln variant on protein structure/function. Due to limited information, the clinical significance of the p.Arg393Gln variant is uncertain at this time.

Natera, Inc.
Classification: Uncertain significance for Tay-Sachs disease. Last evaluated: 2020-09-16. Review status: no assertion criteria provided. Collection method: clinical testing. Allele origin: germline. Not counted in ClinVar's aggregate classification.

Counsyl
Classification: Uncertain significance for Tay-Sachs disease. Last evaluated: 2017-11-16. Review status: no assertion criteria provided. Collection method: clinical testing. Allele origin: unknown. Not counted in ClinVar's aggregate classification.